The following is an entry in ClinVar:

NM_002303.6(LEPR):c.2851G>C (p.Gly951Arg)

Gene: LEPR (leptin receptor; plus strand). Cytogenetic location: 1p31.3.
Variant type: single nucleotide variant.
Coding change: c.2851G>C on transcript NM_002303.6 (MANE Select); coding-DNA position 2851, G replaced by C.
Protein change: p.Gly951Arg; replaces glycine 951 with arginine.
Molecular consequence: missense variant.
Genome position (GRCh38, 1-based): chr1:65,636,368, G>C. VCF-style: chr1-65636368-G-C. GRCh37 (hg19) VCF-style: chr1-66102051-G-C.
Other names: short protein forms G951R.
Identifiers: ClinVar variation 4998482 (VCV004998482.1).

ClinVar aggregate classification (germline): Uncertain significance (1 of 4 stars; one submission).

Conditions:
LEPR-related disorder. Also called: LEPR-related disorders; LEPR-related condition.

Submission:

PreventionGenetics, part of Exact Sciences
Classification: Uncertain significance for LEPR-related condition. Last evaluated: 2024-11-21. Review status: criteria provided, single submitter. Criteria: ACMG Guidelines, 2015. Collection method: clinical testing. Allele origin: germline.
Comment: The LEPR c.2851G>C variant is predicted to result in the amino acid substitution p.Gly951Arg. To our knowledge, this variant has not been reported in the literature or in a large population database (gnomAD), indicating this variant is rare. At this time, the clinical significance of this variant is uncertain due to the absence of conclusive functional and genetic evidence.